The following is an entry in ClinVar:

ClinVar aggregate classification (germline): Uncertain significance (1 of 4 stars; one submission).

Conditions:
Charcot-Marie-Tooth disease type 4. Also called: Charcot-Marie-Tooth disease, type IV; Charcot-Marie-Tooth, Type 4. Identifiers: Orphanet 64749, MedGen C4082197, MONDO:0018995.

Submission:

Labcorp Genetics (formerly Invitae), Labcorp
Classification: Uncertain significance for Charcot-Marie-Tooth disease type 4. Last evaluated: 2021-08-24. Review status: criteria provided, single submitter. Criteria: Invitae Variant Classification Sherloc (09022015). Collection method: clinical testing. Allele origin: germline.
Comment: This variant, c.1047_1106del, results in the deletion of 20 amino acid(s) of the NDRG1 protein (p.Thr350_Gly369del), but otherwise preserves the integrity of the reading frame. This variant is not present in population databases (ExAC no frequency). This variant has not been reported in the literature in individuals affected with NDRG1-related conditions. In summary, the available evidence is currently insufficient to determine the role of this variant in disease. Therefore, it has been classified as a Variant of Uncertain Significance.

NM_006096.4(NDRG1):c.1047_1106del (p.340TRSRSHTSEG[1])

Gene: NDRG1 (N-myc downstream regulated 1; minus strand). Cytogenetic location: 8q24.22.
Variant type: Deletion.
Coding change: c.1047_1106del on transcript NM_006096.4 (MANE Select); coding-DNA positions 1047 to 1106, 60 bases deleted.
Protein change: p.340TRSRSHTSEG[1].
Molecular consequence: inframe deletion.
Genome position (GRCh38, 1-based): chr8:133,238,957-133,239,016, 60 bases deleted. GRCh37 (hg19): chr8:134,251,214-134,251,273.
Other names: c.1047_1106del, p.340TRSRSHTSEG[1] (NM_001135242.2, NM_001374845.1, NM_001374846.1); c.849_908del, p.274TRSRSHTSEG[1] (NM_001258432.2, NM_001374847.1); c.804_863del, p.259TRSRSHTSEG[1] (NM_001258433.2); c.1098_1157del, p.357TRSRSHTSEG[1] (NM_001374844.1).
Identifiers: ClinVar variation 1440977 (VCV001440977.5), dbSNP rs1855219414, ClinGen allele CA1119420792.